The following is an entry in ClinVar:

NM_014319.5(LEMD3):c.1051T>C (p.Ser351Pro)

Gene: LEMD3 (LEM domain containing 3; plus strand). Cytogenetic location: 12q14.3.
Variant type: single nucleotide variant.
Coding change: c.1051T>C on transcript NM_014319.5 (MANE Select); coding-DNA position 1051, T replaced by C.
Protein change: p.Ser351Pro; replaces serine 351 with proline.
Molecular consequence: missense variant.
Genome position (GRCh38, 1-based): chr12:65,170,647, T>C. VCF-style: chr12-65170647-T-C. GRCh37 (hg19) VCF-style: chr12-65564427-T-C.
Other names: c.1051T>C, p.Ser351Pro (NM_001167614.2); short protein forms S351P.
Identifiers: ClinVar variation 2810824 (VCV002810824.3), dbSNP rs2498940199, ClinGen allele CA385674891.

ClinVar aggregate classification (germline): Uncertain significance (1 of 4 stars; one submission).

Submission:

Labcorp Genetics (formerly Invitae), Labcorp
Classification: Uncertain significance. Last evaluated: 2022-10-30. Review status: criteria provided, single submitter. Criteria: Invitae Variant Classification Sherloc (09022015). Collection method: clinical testing. Allele origin: germline.
Comment: In summary, the available evidence is currently insufficient to determine the role of this variant in disease. Therefore, it has been classified as a Variant of Uncertain Significance. Advanced modeling of protein sequence and biophysical properties (such as structural, functional, and spatial information, amino acid conservation, physicochemical variation, residue mobility, and thermodynamic stability) performed at Invitae indicates that this missense variant is not expected to disrupt LEMD3 protein function. This variant has not been reported in the literature in individuals affected with LEMD3-related conditions. This variant is not present in population databases (gnomAD no frequency). This sequence change replaces serine, which is neutral and polar, with proline, which is neutral and non-polar, at codon 351 of the LEMD3 protein (p.Ser351Pro).